The following is an entry in ClinVar:

ClinVar aggregate classification (germline): Uncertain significance. Review status: criteria provided, multiple submitters, no conflicts (2 of 4 stars). 2 submissions from 2 submitters: Uncertain significance (2). Last evaluated 2025-02-13.

Conditions:
DOCK2 deficiency. Also called: Immunodeficiency 40. Identifiers: Orphanet 447737, MedGen C4225328, MONDO:0014637, OMIM 616433.
Inborn genetic diseases. Identifiers: MedGen C0950123, MeSH D030342.

Allele frequency attached by ClinVar (database versions not stated): gnomAD exomes below 0.00001; ExAC 0.00001; gnomAD 0.00007; TOPMed 0.00007; ESP Exome Variant Server 0.00008.
gnomAD v4.1: 12 of 1,613,924 alleles (0.00074%); highest among the groups gnomAD compares: African/African-American, 0.015%; no homozygotes.

Submissions (2):

Ambry Genetics
Classification: Uncertain significance for Inborn genetic diseases. Last evaluated: 2025-02-13. Review status: criteria provided, single submitter. Criteria: Ambry Variant Classification Scheme 2023. Collection method: clinical testing. Allele origin: germline.

Labcorp Genetics (formerly Invitae), Labcorp
Classification: Uncertain significance for DOCK2 deficiency. Last evaluated: 2022-08-21. Review status: criteria provided, single submitter. Criteria: Invitae Variant Classification Sherloc (09022015). Collection method: clinical testing. Allele origin: germline.
Comment: This sequence change replaces aspartic acid, which is acidic and polar, with asparagine, which is neutral and polar, at codon 548 of the DOCK2 protein (p.Asp548Asn). This variant is present in population databases (rs143137802, gnomAD 0.03%). This variant has not been reported in the literature in individuals affected with DOCK2-related conditions. Algorithms developed to predict the effect of missense changes on protein structure and function (SIFT, PolyPhen-2, Align-GVGD) all suggest that this variant is likely to be tolerated. In summary, the available evidence is currently insufficient to determine the role of this variant in disease. Therefore, it has been classified as a Variant of Uncertain Significance.

NM_004946.3(DOCK2):c.1642G>A (p.Asp548Asn)

Gene: DOCK2 (dedicator of cytokinesis 2; plus strand). Cytogenetic location: 5q35.1.
Variant type: single nucleotide variant.
Coding change: c.1642G>A on transcript NM_004946.3 (MANE Select); coding-DNA position 1642, G replaced by A.
Protein change: p.Asp548Asn; replaces aspartic acid 548 with asparagine.
Molecular consequence: missense variant. On other transcripts: non-coding transcript variant (1).
Genome position (GRCh38, 1-based): chr5:169,712,206, G>A. VCF-style: chr5-169712206-G-A. GRCh37 (hg19) VCF-style: chr5-169139210-G-A.
Other names: c.1642G>A (NM_004946.2); short protein forms D548N.
Identifiers: ClinVar variation 2155562 (VCV002155562.2), dbSNP rs143137802, ClinGen allele CA3553536.
Genomic context (GRCh38, chr5:169,712,206, plus strand): 5'-GCCATGTCCTATGTGAAGCTGATGAAAGAAGATGGGACTACTCTACACGATGGATTCCAT[G>A]ACTTAGTTGTCCTCAAGGTACCATGAGTTGGAAGGAGCTCTGCACTGAGGGGAGTGCAGG-3'
Protein context (NP_004937.1, residues 538-558): DGTTLHDGFH[Asp548Asn]LVVLKGDSKK